The following is an entry in ClinVar:

ClinVar aggregate classification (germline): Uncertain significance. Review status: criteria provided, multiple submitters, no conflicts (2 of 4 stars). 13 submissions from 13 submitters: Uncertain significance (10). 3 of the submissions do not count toward it. Last evaluated 2024-10-28.

Conditions:
TRIOBP-related disorder. Also called: TRIOBP-related condition.
Inborn genetic diseases. Identifiers: MedGen C0950123, MeSH D030342.
Autosomal recessive nonsyndromic hearing loss 28. Identifiers: Orphanet 90636, MedGen C1853276, MONDO:0012355, OMIM 609823.

Allele frequency attached by ClinVar (database versions not stated): 1000 Genomes Project 30x 0.00016; 1000 Genomes Project 0.00020; ESP Exome Variant Server 0.00054; gnomAD exomes 0.00062 and 0.00123; gnomAD 0.00070 and 0.00071; TOPMed 0.00073; ExAC 0.00133.
gnomAD v4.1: 1,861 of 1,588,158 alleles (0.12%); highest among the groups gnomAD compares: South Asian, 0.15%; 4 homozygotes.

Submissions (13):

Blueprint Genetics
Classification: Uncertain significance. Last evaluated: 2024-10-28. Review status: criteria provided, single submitter. Criteria: ACMG Guidelines, 2015. Collection method: clinical testing. Allele origin: germline.

Labcorp Genetics (formerly Invitae), Labcorp
Classification: Uncertain significance. Last evaluated: 2022-08-09. Review status: criteria provided, single submitter. Criteria: Invitae Variant Classification Sherloc (09022015). Collection method: clinical testing. Allele origin: germline.
Comment: This sequence change replaces lysine, which is basic and polar, with threonine, which is neutral and polar, at codon 1902 of the TRIOBP protein (p.Lys1902Thr). This variant is present in population databases (rs138804394, gnomAD 0.1%), including at least one homozygous and/or hemizygous individual. This variant has not been reported in the literature in individuals affected with TRIOBP-related conditions. ClinVar contains an entry for this variant (Variation ID: 229363). Algorithms developed to predict the effect of missense changes on protein structure and function are either unavailable or do not agree on the potential impact of this missense change (SIFT: "Deleterious"; PolyPhen-2: "Probably Damaging"; Align-GVGD: "Class C0"). In summary, the available evidence is currently insufficient to determine the role of this variant in disease. Therefore, it has been classified as a Variant of Uncertain Significance.

CeGaT Center for Human Genetics Tuebingen
Classification: Uncertain significance. Last evaluated: 2022-08-01. Review status: criteria provided, single submitter. Criteria: CeGaT Center For Human Genetics Tuebingen Variant Classification Criteria Version 2. Collection method: clinical testing. Allele origin: germline. Affected: yes. Observed: 1 variant allele.

Mayo Clinic Laboratories, Mayo Clinic
Classification: Uncertain significance. Last evaluated: 2022-04-13. Review status: criteria provided, single submitter. Criteria: ACMG Guidelines, 2015. Collection method: clinical testing. Allele origin: germline. Observed: 1 variant allele.
Comment: BS1_supporting

Ambry Genetics
Classification: Uncertain significance for Inborn genetic diseases. Last evaluated: 2021-08-17. Review status: criteria provided, single submitter. Criteria: Ambry Variant Classification Scheme 2023. Collection method: clinical testing. Allele origin: germline.

Department of Pathology and Laboratory Medicine, Sinai Health System
Classification: Uncertain significance for Autosomal recessive nonsyndromic hearing loss 28. Last evaluated: 2021-07-30. Review status: criteria provided, single submitter. Criteria: ACMG Guidelines, 2015. Collection method: research. Allele origin: germline.

GeneDx
Classification: Uncertain significance. Last evaluated: 2021-07-02. Review status: criteria provided, single submitter. Criteria: GeneDx Variant Classification Process June 2021. Collection method: clinical testing. Allele origin: germline. Affected: yes.
Comment: In silico analysis, which includes protein predictors and evolutionary conservation, supports a deleterious effect; Has not been previously published as pathogenic or benign to our knowledge; This variant is associated with the following publications: (PMID: 27535533)

Laboratory for Molecular Medicine, Mass General Brigham Personalized Medicine
Classification: Uncertain significance. Last evaluated: 2020-11-10. Review status: criteria provided, single submitter. Criteria: LMM Criteria. Collection method: clinical testing. Allele origin: germline. Observed: 6 variant alleles.
Comment: Variant classified as Uncertain Significance - Favor Benign. The p.Lys1902Thr variant in TRIOBP has been reported by our laboratory in six individuals with sensorineural hearing loss. None of these individuals carried a second pathogenic variant in TRIOBP gene, and two individuals had an alternate etiology identified. It has been identified in 0.1% (31/26602) of South Asian chromosomes and 0.09% (99/105770) of European chromosomes including 1 homozygote by the Genome Aggregation Database (gnomAD; dbSNP rs138804394). Although this variant has been seen in the general population, its frequency is not high enough to rule out a pathogenic role. This variant has also been reported in ClinVar (Variation ID 229363). Computational prediction tools and conservation analysis suggest that the p.Lys1902Thr variant may impact the protein, though this information is not predictive enough to determine pathogenicity. In summary, while the clinical significance of the p.Lys1902Thr variant is uncertain, its frequency suggests it is more likely to be benign. ACMG/AMP Criteria applied: PP3, BS1_Supporting.

Fulgent Genetics
Classification: Uncertain significance for Autosomal recessive nonsyndromic hearing loss 28. Last evaluated: 2018-10-31. Review status: criteria provided, single submitter. Criteria: ACMG Guidelines, 2015. Collection method: clinical testing. Allele origin: unknown.

Eurofins Ntd Llc (ga)
Classification: Uncertain significance. Last evaluated: 2018-04-25. Review status: criteria provided, single submitter. Criteria: EGL ClinVar v180209 classification definitions. Collection method: clinical testing. Allele origin: germline. Observed: 1 variant allele, 1 heterozygote.

PreventionGenetics, part of Exact Sciences
Classification: Uncertain significance for TRIOBP-related condition. Last evaluated: 2024-02-15. Review status: no assertion criteria provided. Collection method: clinical testing. Allele origin: germline. Not counted in ClinVar's aggregate classification.
Comment: The TRIOBP c.5705A>C variant is predicted to result in the amino acid substitution p.Lys1902Thr. To our knowledge, this variant has not been reported in the literature. This variant is reported in 0.12% of alleles in individuals of South Asian descent in gnomAD, including one homozygote. Although we suspect that this variant may be benign, at this time, the clinical significance of this variant is uncertain due to the absence of conclusive functional and genetic evidence.

Clinical Genetics DNA and cytogenetics Diagnostics Lab, Erasmus MC, Erasmus Medical Center
Classification: Uncertain significance. Review status: no assertion criteria provided. Collection method: clinical testing. Allele origin: germline. Affected: yes. Study: VKGL Data-share Consensus. Not counted in ClinVar's aggregate classification.

Joint Genome Diagnostic Labs from Nijmegen and Maastricht, Radboudumc and MUMC+
Classification: Uncertain significance. Review status: no assertion criteria provided. Collection method: clinical testing. Allele origin: germline. Affected: yes. Study: VKGL Data-share Consensus. Not counted in ClinVar's aggregate classification.

NM_001039141.3(TRIOBP):c.5705A>C (p.Lys1902Thr)

Gene: TRIOBP (TRIO and F-actin binding protein; plus strand). Cytogenetic location: 22q13.1.
Variant type: single nucleotide variant.
Coding change: c.5705A>C on transcript NM_001039141.3 (MANE Select); coding-DNA position 5705, A replaced by C.
Protein change: p.Lys1902Thr; replaces lysine 1902 with threonine.
Molecular consequence: missense variant.
Genome position (GRCh38, 1-based): chr22:37,757,630, A>C. VCF-style: chr22-37757630-A-C. GRCh37 (hg19) VCF-style: chr22-38153637-A-C.
Other names: c.566A>C, p.Lys189Thr (NM_007032.5, NM_138632.2); short protein forms K1902T, K189T.
Identifiers: ClinVar variation 229363 (VCV000229363.52), dbSNP rs138804394, ClinGen allele CA10224798.